The following is an entry in ClinVar:

NM_014714.4(IFT140):c.554A>G (p.Asn185Ser)

Genes: IFT140 (intraflagellar transport 140; minus strand), LOC105371046 (uncharacterized LOC105371046; plus strand). Cytogenetic location: 16p13.3.
Variant type: single nucleotide variant.
Coding change: c.554A>G on transcript NM_014714.4 (MANE Select); coding-DNA position 554, A replaced by G.
Protein change: p.Asn185Ser; replaces asparagine 185 with serine.
Molecular consequence: missense variant.
Genome position (GRCh38, 1-based): chr16:1,592,256, T>C on the plus strand (A>G on the coding strand, the complement: IFT140 is on the minus strand). VCF-style: chr16-1592256-T-C. GRCh37 (hg19) VCF-style: chr16-1642257-T-C.
Other names: short protein forms N185S.
Identifiers: ClinVar variation 1002549 (VCV001002549.8), dbSNP rs975918006, ClinGen allele CA276685968.

ClinVar aggregate classification (germline): Uncertain significance (1 of 4 stars; one submission).

Conditions:
Saldino-Mainzer syndrome (SRTD9). Also called: CONORENAL SYNDROME; Renal dysplasia, retinal pigmentary dystrophy, cerebellar ataxia and skeletal dysplasia; short-rib thoracic dysplasia 9 with or without polydactyly; SHORT-RIB THORACIC DYSPLASIA 9 WITHOUT POLYDACTYLY. Identifiers: Orphanet 140969, MedGen C1849437, MONDO:0009964, OMIM 266920.

Allele frequency attached by ClinVar (database versions not stated): gnomAD exomes below 0.00001.
gnomAD v4.1: 2 of 1,614,194 alleles (0.00012%); highest among the groups gnomAD compares: Non-Finnish European, 0.00017%; no homozygotes.

Submission:

Labcorp Genetics (formerly Invitae), Labcorp
Classification: Uncertain significance for Saldino-Mainzer syndrome. Last evaluated: 2022-11-08. Review status: criteria provided, single submitter. Criteria: Invitae Variant Classification Sherloc (09022015). Collection method: clinical testing. Allele origin: germline.
Comment: In summary, the available evidence is currently insufficient to determine the role of this variant in disease. Therefore, it has been classified as a Variant of Uncertain Significance. Advanced modeling of protein sequence and biophysical properties (such as structural, functional, and spatial information, amino acid conservation, physicochemical variation, residue mobility, and thermodynamic stability) performed at Invitae indicates that this missense variant is not expected to disrupt IFT140 protein function. ClinVar contains an entry for this variant (Variation ID: 1002549). This variant has not been reported in the literature in individuals affected with IFT140-related conditions. This variant is not present in population databases (gnomAD no frequency). This sequence change replaces asparagine, which is neutral and polar, with serine, which is neutral and polar, at codon 185 of the IFT140 protein (p.Asn185Ser).